The following is an entry in ClinVar:

NM_001267550.2(TTN):c.67325C>T (p.Thr22442Ile)

Genes: TTN (titin; minus strand), TTN-AS1 (TTN antisense RNA 1; plus strand). Cytogenetic location: 2q31.2.
Variant type: single nucleotide variant.
Coding change: c.67325C>T on transcript NM_001267550.2 (MANE Select); coding-DNA position 67325, C replaced by T.
Protein change: p.Thr22442Ile; replaces threonine 22442 with isoleucine.
Molecular consequence: missense variant.
Genome position (GRCh38, 1-based): chr2:178,579,962, G>A on the plus strand (C>T on the coding strand, the complement: TTN is on the minus strand). VCF-style: chr2-178579962-G-A. GRCh37 (hg19) VCF-style: chr2-179444689-G-A.
Other names: c.62402C>T, p.Thr20801Ile (NM_001256850.1); c.40130C>T, p.Thr13377Ile (NM_003319.4); c.59621C>T, p.Thr19874Ile (NM_133378.4); c.40505C>T, p.Thr13502Ile (NM_133432.3); c.40706C>T, p.Thr13569Ile (NM_133437.4); short protein forms T13377I, T13569I, T20801I, T22442I, T13502I, T19874I.
Identifiers: ClinVar variation 1737034 (VCV001737034.2), dbSNP rs2468907648, ClinGen allele CA349424000.

ClinVar aggregate classification (germline): Uncertain significance (1 of 4 stars; one submission).

Conditions:
Cardiovascular phenotype. Identifiers: MedGen CN230736.

Submission:

Ambry Genetics
Classification: Uncertain significance for Cardiovascular phenotype. Last evaluated: 2019-12-05. Review status: criteria provided, single submitter. Criteria: Ambry Variant Classification Scheme 2023. Collection method: clinical testing. Allele origin: germline.
Comment: The p.T13377I variant (also known as c.40130C>T), located in coding exon 145 of the TTN gene, results from a C to T substitution at nucleotide position 40130. The threonine at codon 13377 is replaced by isoleucine, an amino acid with similar properties. This amino acid position is highly conserved in available vertebrate species. In addition, this alteration is predicted to be tolerated by in silico analysis. Since supporting evidence is limited at this time, the clinical significance of this alteration remains unclear.